The following is an entry in ClinVar:

NM_000203.5(IDUA):c.1324_1330del (p.Ala442fs)

Gene: IDUA (alpha-L-iduronidase; plus strand). Cytogenetic location: 4p16.3.
Variant type: Deletion.
Coding change: c.1324_1330del on transcript NM_000203.5 (MANE Select); coding-DNA positions 1324 to 1330, 7 bases deleted (GCGAGCG; older notation c.1324_1330delGCGAGCG).
Protein change: p.Ala442fs; shifts the reading frame from alanine 442.
Molecular consequence: frameshift variant. On other transcripts: non-coding transcript variant (1).
Genome position (GRCh38, 1-based): chr4:1,002,866-1,002,872, GCGAGCG deleted. VCF-style (leftmost placement, unchanged base first): chr4-1002865-CGCGAGCG-C. GRCh37 (hg19) VCF-style: chr4-996653-CGCGAGCG-C.
Other names: NM_001363576.1:c.928_934del; c.928_934del, p.Ala310fs (NM_001363576.1); short protein forms A310fs, A442fs.
Identifiers: ClinVar variation 5016536 (VCV005016536.1).
Genomic context (GRCh38, chr4:1,002,865, plus strand): 5'-GGCCAGCGCCCACCGCCCCCAGGGCCCGGCCGACGCCTGGCGCGCCGCGGTGCTGATCTA[CGCGAGCG>C]ACGACACCCGCGCCCACCCCAACCGCAGCGTCGCGGTGACCCTGCGGCTGCGCGGGGTGC-3'

ClinVar aggregate classification (germline): Likely pathogenic (3 of 4 stars; one submission).

Conditions:
Mucopolysaccharidosis type 1. Also called: IDUA deficiency; MPS I; Mucopolysaccharidosis Type I. Identifiers: Orphanet 579, MedGen C0023786, MONDO:0001586.

Submission:

ClinGen Lysosomal Storage Disorder Variant Curation Expert Panel
Classification: Likely pathogenic for Mucopolysaccharidosis type 1. Last evaluated: 2026-07-06. Review status: reviewed by expert panel. Criteria: ClinGen LSD ACMG Specifications IDUA V1.2.0. Collection method: curation. Allele origin: germline. Inheritance: Autosomal recessive inheritance.
Comment: The NM_000203.5:c.1324_1330del (p.Ala442ThrfsTer13) variant in IDUA is a frameshift variant predicted to cause a premature stop codon in biologically relevant exon 9 out of 14, leading to nonsense-mediated decay in a gene in which loss-of-function is an established disease mechanism (PVS1). This variant is absent in gnomAD v4.0. (PM2_Supporting). The classification of this variant has been upgraded from Variant of Uncertain Significance to Likely Pathogenic based on the recommendations of the ClinGen Sequence Variant Interpretation Working Group, which states that a variant meeting PVS1 and PM2_Supporting is classified as Likely PathogenicIn summary, this variant meets the criteria to be classified as Likely Pathogenic for MPS I based on the IDUA-specific ACMG/AMP criteria applied, as specified by the ClinGen Lysosomal Diseases Variant Curation Expert panel (Specifications Version 1.2.0): PVS1, PM2_Supporting (Classification approved by the ClinGen Lysosomal Diseases Variant Curation Expert Panel on July 6, 2026)